The following is an entry in ClinVar:

NM_000138.5(FBN1):c.2383_2394del (p.Gly795_Tyr798del)

Gene: FBN1 (fibrillin 1; minus strand). Cytogenetic location: 15q21.1.
Variant type: Deletion.
Coding change: c.2383_2394del on transcript NM_000138.5 (MANE Select); coding-DNA positions 2383 to 2394, 12 bases deleted (GGATTTATCTAC).
Protein change: p.Gly795_Tyr798del.
Molecular consequence: inframe deletion. On other transcripts: inframe indel (1).
Genome position (GRCh38, 1-based): chr15:48,496,125-48,496,136, GTAGATAAATCC deleted on the plus strand (GGATTTATCTAC on the coding strand, the reverse complement: FBN1 is on the minus strand). VCF-style (leftmost placement, unchanged base first): chr15-48496124-TGTAGATAAATCC-T. GRCh37 (hg19) VCF-style: chr15-48788321-TGTAGATAAATCC-T.
Other names: c.2383_2394del, p.Gly795_Tyr798del (NM_001406716.1); c.2383_2394del12 (NM_000138.4).
Identifiers: ClinVar variation 4635368 (VCV004635368.1).
Genomic context (GRCh38, chr15:48,496,124, plus strand): 5'-CAAAGTACACAGTATAAGAACAAAAATATGGTTTACCTTCACATGTTTTTAGATCAGGTT[TGTAGATAAATCC>T]CTTGGGGCAGGTACAGACAAAACTTCCAGGAGTATTTCTACATTGTCCATTGTCACAAAG-3'

ClinVar aggregate classification (germline): Uncertain significance (1 of 4 stars; one submission).

Conditions:
Familial thoracic aortic aneurysm and aortic dissection (TAAD). Also called: Thoracic aortic aneurysms and dissections. Identifiers: Orphanet 91387, MedGen C4707243, MONDO:0019625.

Submission:

Ambry Genetics
Classification: Uncertain significance for Familial thoracic aortic aneurysm and aortic dissection. Last evaluated: 2025-10-31. Review status: criteria provided, single submitter. Criteria: Ambry Variant Classification Scheme 2023. Collection method: clinical testing. Allele origin: germline.
Comment: The c.2383_2394del12 variant (also known as p.G795_Y798del) is located in coding exon 19 of the FBN1 gene. This variant results from an in-frame GGATTTATCTAC deletion at nucleotide positions 2383 to 2394. This results in the in-frame deletion of a at codon 795. This amino acid region ranges from highly conserved to poorly conserved in available vertebrate species. In addition, this variant is predicted to be deleterious by in silico analysis (Choi Y et al. PLoS ONE. 2012; 7(10):e46688). Based on the available evidence, the clinical significance of this variant remains unclear.